The following is an entry in ClinVar:

NM_001277115.2(DNAH11):c.11911G>A (p.Val3971Met)

Gene: DNAH11 (dynein axonemal heavy chain 11; plus strand). Cytogenetic location: 7p15.3.
Variant type: single nucleotide variant.
Coding change: c.11911G>A on transcript NM_001277115.2 (MANE Select); coding-DNA position 11911, G replaced by A.
Protein change: p.Val3971Met; replaces valine 3971 with methionine.
Molecular consequence: missense variant.
Genome position (GRCh38, 1-based): chr7:21,868,935, G>A. VCF-style: chr7-21868935-G-A. GRCh37 (hg19) VCF-style: chr7-21908553-G-A.
Other names: c.11932G>A, p.Val3978Met (NM_003777.3); short protein forms V3971M, V3978M.
Identifiers: ClinVar variation 1708885 (VCV001708885.5), dbSNP rs774648747, ClinGen allele CA4182918.

ClinVar aggregate classification (germline): Conflicting classifications of pathogenicity. Review status: criteria provided, conflicting classifications (1 of 4 stars). 2 submissions from 2 submitters: Uncertain significance (1); Likely benign (1). Last evaluated 2024-01-24.

Conditions:
Primary ciliary dyskinesia. Also called: Ciliary dyskinesia. Identifiers: Orphanet 244, MedGen C0008780, MONDO:0016575, HP:0012265.

Allele frequency attached by ClinVar (database versions not stated): ExAC 0.00001; gnomAD exomes 0.00001.
gnomAD v4.1: 8 of 1,614,008 alleles (0.0005%); highest among the groups gnomAD compares: Non-Finnish European, 0.00068%; no homozygotes.

Submissions (2):

Labcorp Genetics (formerly Invitae), Labcorp
Classification: Likely benign for Primary ciliary dyskinesia. Last evaluated: 2024-01-24. Review status: criteria provided, single submitter. Criteria: Invitae Variant Classification Sherloc (09022015). Collection method: clinical testing. Allele origin: germline.

GeneDx
Classification: Uncertain significance. Last evaluated: 2022-04-08. Review status: criteria provided, single submitter. Criteria: GeneDx Variant Classification Process June 2021. Collection method: clinical testing. Allele origin: germline. Affected: yes.
Comment: Not observed at significant frequency in large population cohorts (gnomAD); In silico analysis supports that this missense variant has a deleterious effect on protein structure/function; Has not been previously published as pathogenic or benign to our knowledge